The following is an entry in ClinVar:

ClinVar aggregate classification (germline): Uncertain significance (1 of 4 stars; one submission).

Submission:

Labcorp Genetics (formerly Invitae), Labcorp
Classification: Uncertain significance. Last evaluated: 2025-08-01. Review status: criteria provided, single submitter. Criteria: Invitae Variant Classification Sherloc (09022015). Collection method: clinical testing. Allele origin: germline.
Comment: This variant, c.850_873dup, results in the insertion of 8 amino acid(s) of the SMARCA2 protein (p.Gly284_Pro291dup), but otherwise preserves the integrity of the reading frame. The frequency data for this variant in the population databases is considered unreliable, as metrics indicate insufficient coverage at this position in the gnomAD database. This variant has not been reported in the literature in individuals affected with SMARCA2-related conditions. ClinVar contains an entry for this variant (Variation ID: 2200637). In summary, the available evidence is currently insufficient to determine the role of this variant in disease. Therefore, it has been classified as a Variant of Uncertain Significance.

NM_003070.5(SMARCA2):c.850_873dup (p.Pro291_Pro292insGlyGlyArgProSerProAlaPro)

Gene: SMARCA2 (SWI/SNF related BAF chromatin remodeling complex subunit ATPase 2; plus strand). Cytogenetic location: 9p24.3.
Variant type: Duplication.
Coding change: c.850_873dup on transcript NM_003070.5 (MANE Select); coding-DNA positions 850 to 873, 24 bases duplicated (GGCGGCCGGCCCTCGCCCGCGCCC).
Protein change: p.Pro291_Pro292insGlyGlyArgProSerProAlaPro.
Molecular consequence: inframe insertion. On other transcripts: inframe indel (1).
Genome position (GRCh38, 1-based): chr9:2,047,288-2,047,311, GGCGGCCGGCCCTCGCCCGCGCCC duplicated; duplicating any 24 consecutive bases within chr9:2,047,278-2,047,311 gives the same sequence; the c. name uses the placement nearest the transcript's 3' end. VCF-style (leftmost placement, unchanged base first): chr9-2047277-T-TGCCCGCGCCCGGCGGCCGGCCCTC. GRCh37 (hg19) VCF-style: chr9-2047277-T-TGCCCGCGCCCGGCGGCCGGCCCTC.
Other names: c.850_873dup, p.Pro291_Pro292insGlyGlyArgProSerProAlaPro (NM_001289396.2, NM_001289397.2, NM_139045.4).
Identifiers: ClinVar variation 2200637 (VCV002200637.4), dbSNP rs1297196554, ClinGen allele CA1827904519.
Genomic context (GRCh38, chr9:2,047,277, plus strand): 5'-CTTGTCCCGCAGGCCCGGGGCCGGAGCTGAGCGGCCCGAGCACCCCGCAGAAGCTGCCGG[T>TGCCCGCGCCCGGCGGCCGGCCCTC]GCCCGCGCCCGGCGGCCGGCCCTCGCCCGCGCCCCCCGCAGCCGCGCAGCCGCCCGCGGC-3'